The following is an entry in ClinVar:

ClinVar aggregate classification (germline): Uncertain significance. Review status: criteria provided, multiple submitters, no conflicts (2 of 4 stars). 2 submissions from 2 submitters: Uncertain significance (2). Last evaluated 2025-09-25.

Conditions:
Inborn genetic diseases. Identifiers: MedGen C0950123, MeSH D030342.

gnomAD v4.1: 28 of 1,614,138 alleles (0.0017%); highest among the groups gnomAD compares: Middle Eastern, 0.16%; no homozygotes.

Submissions (2):

GeneDx
Classification: Uncertain significance. Last evaluated: 2025-09-25. Review status: criteria provided, single submitter. Criteria: GeneDx Variant Classification Process June 2021. Collection method: clinical testing. Allele origin: germline. Affected: yes.
Comment: In silico analysis suggests that this missense variant does not alter protein structure/function; Has not been previously published as pathogenic or benign to our knowledge

Ambry Genetics
Classification: Uncertain significance for Inborn genetic diseases. Last evaluated: 2024-06-04. Review status: criteria provided, single submitter. Criteria: Ambry Variant Classification Scheme 2023. Collection method: clinical testing. Allele origin: germline.

NM_015330.6(SPECC1L):c.695T>C (p.Met232Thr)

Genes: SPECC1L (sperm antigen with calponin homology and coiled-coil domains 1 like; plus strand), SPECC1L-ADORA2A (SPECC1L-ADORA2A readthrough (NMD candidate); plus strand). Cytogenetic location: 22q11.23.
Variant type: single nucleotide variant.
Coding change: c.695T>C on transcript NM_015330.6 (MANE Select); coding-DNA position 695, T replaced by C.
Protein change: p.Met232Thr; replaces methionine 232 with threonine.
Molecular consequence: missense variant. On other transcripts: non-coding transcript variant (1).
Genome position (GRCh38, 1-based): chr22:24,321,675, T>C. VCF-style: chr22-24321675-T-C. GRCh37 (hg19) VCF-style: chr22-24717643-T-C.
Other names: c.695T>C, p.Met232Thr (NM_001145468.4, NM_001254732.3); short protein forms M232T.
Identifiers: ClinVar variation 3322095 (VCV003322095.2).